The following is an entry in ClinVar:

ClinVar aggregate classification (germline): Uncertain significance. Review status: criteria provided, multiple submitters, no conflicts (2 of 4 stars). 2 submissions from 2 submitters: Uncertain significance (2). Last evaluated 2024-09-03.

Conditions:
Inborn genetic diseases. Identifiers: MedGen C0950123, MeSH D030342.

Allele frequency attached by ClinVar (database versions not stated): gnomAD exomes below 0.00001.
gnomAD v4.1: 1 of 1,614,210 alleles (0.000062%); highest among the groups gnomAD compares: Middle Eastern, 0.016%; no homozygotes.

Submissions (2):

Ambry Genetics
Classification: Uncertain significance for Inborn genetic diseases. Last evaluated: 2024-09-03. Review status: criteria provided, single submitter. Criteria: Ambry Variant Classification Scheme 2023. Collection method: clinical testing. Allele origin: germline.

Labcorp Genetics (formerly Invitae), Labcorp
Classification: Uncertain significance. Last evaluated: 2023-07-21. Review status: criteria provided, single submitter. Criteria: Invitae Variant Classification Sherloc (09022015). Collection method: clinical testing. Allele origin: germline.
Comment: This variant is not present in population databases (gnomAD no frequency). In summary, the available evidence is currently insufficient to determine the role of this variant in disease. Therefore, it has been classified as a Variant of Uncertain Significance. Advanced modeling of protein sequence and biophysical properties (such as structural, functional, and spatial information, amino acid conservation, physicochemical variation, residue mobility, and thermodynamic stability) performed at Invitae indicates that this missense variant is not expected to disrupt TRMT5 protein function. ClinVar contains an entry for this variant (Variation ID: 1975539). This variant has not been reported in the literature in individuals affected with TRMT5-related conditions. This sequence change replaces proline, which is neutral and non-polar, with serine, which is neutral and polar, at codon 380 of the TRMT5 protein (p.Pro380Ser).

NM_020810.3(TRMT5):c.1138C>T (p.Pro380Ser)

Gene: TRMT5 (tRNA methyltransferase 5; minus strand). Cytogenetic location: 14q23.1.
Variant type: single nucleotide variant.
Coding change: c.1138C>T on transcript NM_020810.3 (MANE Select); coding-DNA position 1138, C replaced by T.
Protein change: p.Pro380Ser; replaces proline 380 with serine.
Molecular consequence: missense variant.
Genome position (GRCh38, 1-based): chr14:60,975,781, G>A on the plus strand (C>T on the coding strand, the complement: TRMT5 is on the minus strand). VCF-style: chr14-60975781-G-A. GRCh37 (hg19) VCF-style: chr14-61442499-G-A.
Other names: c.1222C>T, p.Pro408Ser (NM_001350253.1); c.1219C>T, p.Pro407Ser (NM_001350254.1); c.1138C>T (NM_020810.2); short protein forms P407S, P408S, P380S.
Identifiers: ClinVar variation 1975539 (VCV001975539.6), dbSNP rs2502985457, ClinGen allele CA389919331.